The following is an entry in ClinVar:

ClinVar aggregate classification (germline): Uncertain significance (1 of 4 stars; one submission).

Submission:

Labcorp Genetics (formerly Invitae), Labcorp
Classification: Uncertain significance. Last evaluated: 2023-12-25. Review status: criteria provided, single submitter. Criteria: Invitae Variant Classification Sherloc (09022015). Collection method: clinical testing. Allele origin: germline.
Comment: This sequence change replaces histidine, which is basic and polar, with aspartic acid, which is acidic and polar, at codon 197 of the PRPF6 protein (p.His197Asp). This variant is not present in population databases (gnomAD no frequency). This variant has not been reported in the literature in individuals affected with PRPF6-related conditions. Advanced modeling of protein sequence and biophysical properties (such as structural, functional, and spatial information, amino acid conservation, physicochemical variation, residue mobility, and thermodynamic stability) performed at Invitae indicates that this missense variant is not expected to disrupt PRPF6 protein function with a negative predictive value of 80%. In summary, the available evidence is currently insufficient to determine the role of this variant in disease. Therefore, it has been classified as a Variant of Uncertain Significance.

NM_012469.4(PRPF6):c.589C>G (p.His197Asp)

Gene: PRPF6 (pre-mRNA processing factor 6; plus strand). Cytogenetic location: 20q13.33.
Variant type: single nucleotide variant.
Coding change: c.589C>G on transcript NM_012469.4 (MANE Select); coding-DNA position 589, C replaced by G.
Protein change: p.His197Asp; replaces histidine 197 with aspartic acid.
Molecular consequence: missense variant.
Genome position (GRCh38, 1-based): chr20:63,995,066, C>G. VCF-style: chr20-63995066-C-G. GRCh37 (hg19) VCF-style: chr20-62626419-C-G.
Other names: short protein forms H197D.
Identifiers: ClinVar variation 2881534 (VCV002881534.3), dbSNP rs1003153947, ClinGen allele CA317524845.